The following is an entry in ClinVar:

ClinVar aggregate classification (germline): Uncertain significance. Review status: criteria provided, multiple submitters, no conflicts (2 of 4 stars). 5 submissions from 5 submitters: Uncertain significance (4). 1 of the submissions does not count toward it. Last evaluated 2025-11-19.

Conditions:
Inborn genetic diseases. Identifiers: MedGen C0950123, MeSH D030342.
Neuromuscular disease caused by qualitative or quantitative defects of dysferlin. Also called: Dysferlinopathy; Qualitative or quantitative defects of dysferlin. Identifiers: Orphanet 207073, MedGen C2931687, MONDO:0016145.
Autosomal recessive limb-girdle muscular dystrophy type 2B (LGMDR2). Also called: Limb-girdle muscular dystrophy, type 2B; MUSCULAR DYSTROPHY, LIMB-GIRDLE, TYPE 3; Limb-Girdle Muscular Dystrophy Type 2B (LGMD2B); MUSCULAR DYSTROPHY, LIMB-GIRDLE, AUTOSOMAL RECESSIVE 2. Identifiers: Orphanet 268, MedGen C1850889, MONDO:0009676, OMIM 253601.

Allele frequency attached by ClinVar (database versions not stated): ExAC 0.00002; gnomAD 0.00002; gnomAD exomes 0.00002; TOPMed 0.00006.
gnomAD v4.1: 34 of 1,613,900 alleles (0.0021%); highest among the groups gnomAD compares: Non-Finnish European, 0.0029%; no homozygotes.

Submissions (5):

Ambry Genetics
Classification: Uncertain significance for Inborn genetic diseases. Last evaluated: 2025-11-19. Review status: criteria provided, single submitter. Criteria: Ambry Variant Classification Scheme 2023. Collection method: clinical testing. Allele origin: germline.

Labcorp Genetics (formerly Invitae), Labcorp
Classification: Uncertain significance for Neuromuscular disease caused by qualitative or quantitative defects of dysferlin. Last evaluated: 2025-10-02. Review status: criteria provided, single submitter. Criteria: Invitae Variant Classification Sherloc (09022015). Collection method: clinical testing. Allele origin: germline.
Comment: This sequence change replaces serine, which is neutral and polar, with arginine, which is basic and polar, at codon 96 of the DYSF protein (p.Ser96Arg). This variant is present in population databases (rs762400168, gnomAD 0.004%). This variant has not been reported in the literature in individuals affected with DYSF-related conditions. ClinVar contains an entry for this variant (Variation ID: 538638). Invitae Evidence Modeling of protein sequence and biophysical properties (such as structural, functional, and spatial information, amino acid conservation, physicochemical variation, residue mobility, and thermodynamic stability) indicates that this missense variant is not expected to disrupt DYSF protein function with a negative predictive value of 95%. In summary, the available evidence is currently insufficient to determine the role of this variant in disease. Therefore, it has been classified as a Variant of Uncertain Significance.

Revvity Omics, Revvity
Classification: Uncertain significance. Last evaluated: 2024-04-17. Review status: criteria provided, single submitter. Criteria: ACMG Guidelines, 2015. Collection method: clinical testing. Allele origin: germline.

GeneDx
Classification: Uncertain significance. Last evaluated: 2019-05-30. Review status: criteria provided, single submitter. Criteria: GeneDx Variant Classification Process June 2021. Collection method: clinical testing. Allele origin: germline. Affected: yes.
Comment: Not observed at a significant frequency in large population cohorts (Lek et al., 2016); In silico analysis, which includes protein predictors and evolutionary conservation, supports that this variant does not alter protein structure/function; Has not been previously published as pathogenic or benign to our knowledge

Natera, Inc.
Classification: Uncertain significance for Limb-girdle muscular dystrophy type 2B. Last evaluated: 2019-10-28. Review status: no assertion criteria provided. Collection method: clinical testing. Allele origin: germline. Not counted in ClinVar's aggregate classification.

NM_001130987.2(DYSF):c.289A>C (p.Ser97Arg)

Gene: DYSF (dysferlin; plus strand). Cytogenetic location: 2p13.2.
Variant type: single nucleotide variant.
Coding change: c.289A>C on transcript NM_001130987.2 (MANE Select); coding-DNA position 289, A replaced by C.
Protein change: p.Ser97Arg; replaces serine 97 with arginine.
Molecular consequence: missense variant.
Genome position (GRCh38, 1-based): chr2:71,503,263, A>C. VCF-style: chr2-71503263-A-C. GRCh37 (hg19) VCF-style: chr2-71730393-A-C.
Other names: c.289A>C, p.Ser97Arg (NM_001130455.2, NM_001130982.2, NM_001130983.2 and 3 more transcripts); c.286A>C, p.Ser96Arg (NM_001130976.2, NM_001130977.2, NM_001130978.2 and 4 more transcripts); short protein forms S97R, S96R.
Identifiers: ClinVar variation 538638 (VCV000538638.12), dbSNP rs762400168, ClinGen allele CA1705304.